The following is an entry in ClinVar:

ClinVar aggregate classification (germline): Uncertain significance (1 of 4 stars; one submission).

Conditions:
Early-infantile DEE. Also called: Early infantile epileptic encephalopathy; Ohtahara syndrome; Early infantile epileptic encephalopathy with suppression bursts. Identifiers: Orphanet 1934, MedGen C0393706, MONDO:0800491.

Submission:

Labcorp Genetics (formerly Invitae), Labcorp
Classification: Uncertain significance for Early-infantile DEE. Last evaluated: 2024-08-31. Review status: criteria provided, single submitter. Criteria: Invitae Variant Classification Sherloc (09022015). Collection method: clinical testing. Allele origin: germline.
Comment: This sequence change replaces glutamine, which is neutral and polar, with glutamic acid, which is acidic and polar, at codon 322 of the SPTAN1 protein (p.Gln322Glu). This variant is not present in population databases (gnomAD no frequency). This variant has not been reported in the literature in individuals affected with SPTAN1-related conditions. Invitae Evidence Modeling of protein sequence and biophysical properties (such as structural, functional, and spatial information, amino acid conservation, physicochemical variation, residue mobility, and thermodynamic stability) has been performed for this missense variant. However, the output from this modeling did not meet the statistical confidence thresholds required to predict the impact of this variant on SPTAN1 protein function. In summary, the available evidence is currently insufficient to determine the role of this variant in disease. Therefore, it has been classified as a Variant of Uncertain Significance.

NM_001130438.3(SPTAN1):c.964C>G (p.Gln322Glu)

Gene: SPTAN1 (spectrin alpha, non-erythrocytic 1; plus strand). Cytogenetic location: 9q34.11.
Variant type: single nucleotide variant.
Coding change: c.964C>G on transcript NM_001130438.3 (MANE Select); coding-DNA position 964, C replaced by G.
Protein change: p.Gln322Glu; replaces glutamine 322 with glutamic acid.
Molecular consequence: missense variant.
Genome position (GRCh38, 1-based): chr9:128,577,385, C>G. VCF-style: chr9-128577385-C-G. GRCh37 (hg19) VCF-style: chr9-131339664-C-G.
Other names: c.964C>G, p.Gln322Glu (NM_003127.4, NM_001195532.2, NM_001363759.2 and 5 more transcripts); c.1000C>G, p.Gln334Glu (NM_001375312.2, NM_001375318.1); short protein forms Q322E, Q334E.
Identifiers: ClinVar variation 3618940 (VCV003618940.2).